The following is an entry in ClinVar:

ClinVar aggregate classification (germline): Uncertain significance (1 of 4 stars; one submission).

Conditions:
Werner syndrome (WRN). Identifiers: Orphanet 902, MedGen C0043119, MONDO:0010196, OMIM 277700.

Allele frequency attached by ClinVar (database versions not stated): TOPMed below 0.00001; ExAC 0.00001; gnomAD exomes 0.00001 and 0.00002.
gnomAD v4.1: 3 of 1,614,152 alleles (0.00019%); highest among the groups gnomAD compares: East Asian, 0.0067%; no homozygotes.

Submission:

Labcorp Genetics (formerly Invitae), Labcorp
Classification: Uncertain significance for Werner syndrome. Last evaluated: 2023-12-13. Review status: criteria provided, single submitter. Criteria: Invitae Variant Classification Sherloc (09022015). Collection method: clinical testing. Allele origin: germline.
Comment: This sequence change replaces lysine, which is basic and polar, with arginine, which is basic and polar, at codon 1036 of the WRN protein (p.Lys1036Arg). This variant is present in population databases (rs773176431, gnomAD 0.02%). This variant has not been reported in the literature in individuals affected with WRN-related conditions. ClinVar contains an entry for this variant (Variation ID: 861473). Algorithms developed to predict the effect of missense changes on protein structure and function output the following: SIFT: "Not Available"; PolyPhen-2: "Benign"; Align-GVGD: "Not Available". The arginine amino acid residue is found in multiple mammalian species, which suggests that this missense change does not adversely affect protein function. In summary, the available evidence is currently insufficient to determine the role of this variant in disease. Therefore, it has been classified as a Variant of Uncertain Significance.

NM_000553.6(WRN):c.3107A>G (p.Lys1036Arg)

Gene: WRN (WRN RecQ like helicase; plus strand). Cytogenetic location: 8p12.
Variant type: single nucleotide variant.
Coding change: c.3107A>G on transcript NM_000553.6 (MANE Select); coding-DNA position 3107, A replaced by G.
Protein change: p.Lys1036Arg; replaces lysine 1036 with arginine.
Molecular consequence: missense variant.
Genome position (GRCh38, 1-based): chr8:31,141,569, A>G. VCF-style: chr8-31141569-A-G. GRCh37 (hg19) VCF-style: chr8-30999085-A-G.
Other names: short protein forms K1036R.
Identifiers: ClinVar variation 861473 (VCV000861473.4), dbSNP rs773176431, ClinGen allele CA4704935.